The following is an entry in ClinVar:

NM_000059.4(BRCA2):c.6938-1G>A

Gene: BRCA2 (BRCA2 DNA repair associated; plus strand). Cytogenetic location: 13q13.1.
Variant type: single nucleotide variant.
Coding change: c.6938-1G>A on transcript NM_000059.4 (MANE Select); the canonical splice acceptor site of the intron before coding-DNA position 6938, G replaced by A.
Molecular consequence: splice acceptor variant.
Genome position (GRCh38, 1-based): chr13:32,346,826, G>A. VCF-style: chr13-32346826-G-A. GRCh37 (hg19) VCF-style: chr13-32920963-G-A.
Other names: c.6938-1G>A (NM_001406720.1); c.6842-1G>A (NM_001406719.1); c.2006-1G>A (NM_001406721.1); c.521-1G>A (NM_001406722.1).
Identifiers: ClinVar variation 267667 (VCV000267667.23), dbSNP rs886040936, ClinGen allele CA10602535.

ClinVar aggregate classification (germline): Pathogenic/Likely pathogenic. Review status: criteria provided, multiple submitters, no conflicts (2 of 4 stars). 8 submissions from 8 submitters: Pathogenic (3); Likely pathogenic (4). 1 of the submissions does not count toward it. Last evaluated 2025-08-26.

Conditions:
BRCA2-related disorder. Also called: BRCA2-related condition; BRCA2-related disorders. Identifiers: MedGen CN239275.
Hereditary cancer-predisposing syndrome. Also called: Tumor predisposition; Hereditary Cancer Syndrome; Hereditary neoplastic syndrome; Neoplastic Syndromes, Hereditary. Identifiers: Orphanet 140162, MedGen C0027672, MeSH D009386, MONDO:0015356.
Hereditary breast ovarian cancer syndrome. Also called: Breast and ovarian cancer; Hereditary breast and ovarian cancer; Hereditary breast and ovarian cancer syndrome; Hereditary breast and ovarian cancer syndrome (HBOC); BRCA1- and BRCA2-Associated Hereditary Breast and Ovarian Cancer; Hereditary breast and/or ovarian cancer syndrome. Identifiers: Orphanet 145, MedGen C0677776, MeSH D061325, MONDO:0003582. Disease mechanism: loss of function.
Breast-ovarian cancer, familial, susceptibility to, 2 (BROVCA2). Also called: BRCA2 Hereditary Breast and Ovarian Cancer. Identifiers: Orphanet 145, MedGen C2675520, MONDO:0012933, OMIM 612555. Disease mechanism: loss of function.

Submissions (8):

Ambry Genetics
Classification: Likely pathogenic for Hereditary cancer-predisposing syndrome. Last evaluated: 2025-08-26. Review status: criteria provided, single submitter. Criteria: Ambry Variant Classification Scheme 2023. Collection method: clinical testing. Allele origin: germline.
Comment: The c.6938-1G>A intronic variant results from a G to A substitution one nucleotide upstream from coding exon 12 of the BRCA2 gene. This nucleotide position is highly conserved in available vertebrate species. In silico splice site analysis predicts that this alteration will weaken the native splice acceptor site and may result in the creation or strengthening of a novel splice acceptor site; however, direct evidence is insufficient at this time (Ambry internal data). This variant is considered to be rare based on population cohorts in the Genome Aggregation Database (gnomAD). Alterations that disrupt the canonical splice site are expected to cause aberrant splicing, resulting in an abnormal protein or a transcript that is subject to nonsense-mediated mRNA decay. As such, this alteration is classified as likely pathogenic.

Myriad Genetics, Inc.
Classification: Likely pathogenic for Breast-ovarian cancer, familial, susceptibility to, 2. Last evaluated: 2025-07-02. Review status: criteria provided, single submitter. Criteria: Myriad Autosomal Dominant, Autosomal Recessive and X-Linked Classification Criteria (2023). Collection method: clinical testing. Allele origin: unknown.
Comment: This variant is considered likely pathogenic. This variant occurs within a consensus splice junction and is predicted to result in abnormal mRNA splicing of either an out-of-frame exon or an in-frame exon necessary for protein stability and/or normal function.

Molecular Diagnostics Laboratory, Catalan Institute of Oncology
Classification: Likely pathogenic for Hereditary cancer-predisposing syndrome. Last evaluated: 2024-11-06. Review status: criteria provided, single submitter. Criteria: ClinGen BRCA1BRCA2 ACMG Specifications BRCA2 V1.0.0. Collection method: clinical testing. Allele origin: germline.
Comment: PVS1, PM2_Supporting c.6938-1G>A, located in a canonic splicing site of the BRCA2 gene is predicted to alter splicing, probably causing the skipping of exon 13. This alteration is expected to result in loss of function by premature protein truncation and nonsense-mediated mRNA decay (PVS1). It is not present in the population database gnomAD v2.1.1, non-cancer dataset (PM2_supporting). The SpliceAI algorithm predicts a splice acceptor site loss (deltascore:1). To our knowledge, neither relevant clinical data nor well-established functional studies have been reported for this variant. This variant has been reported in the ClinVar database (3x pathogenic, 2x likely pathogenic), and has not been reported in LOVD or BRCA Exchange database. Based on currently available information, the variant c.6938-1G>A should be considered a likely pathogenic variant, according to ClinGen ENIGMA BRCA1 and BRCA2 Expert Panel Specifications to the ACMG/AMP Variant Interpretation Guidelines for BRCA2 Version 1.0.0.

Labcorp Genetics (formerly Invitae), Labcorp
Classification: Pathogenic for Hereditary breast ovarian cancer syndrome. Last evaluated: 2024-06-30. Review status: criteria provided, single submitter. Criteria: Invitae Variant Classification Sherloc (09022015). Collection method: clinical testing. Allele origin: germline.
Comment: This sequence change affects an acceptor splice site in intron 12 of the BRCA2 gene. It is expected to disrupt RNA splicing. Variants that disrupt the donor or acceptor splice site typically lead to a loss of protein function (PMID: 16199547), and loss-of-function variants in BRCA2 are known to be pathogenic (PMID: 20104584). This variant is not present in population databases (gnomAD no frequency). Disruption of this splice site has been observed in individual(s) with clinical features of BRCA2-related conditions (PMID: 10923033, 21520333, 31214711). ClinVar contains an entry for this variant (Variation ID: 267667). Based on a multifactorial likelihood algorithm using genetic, in silico, and/or statistical data, this variant has been determined to have a high probability of being pathogenic (PMID: 31131967). Algorithms developed to predict the effect of sequence changes on RNA splicing suggest that this variant may disrupt the consensus splice site. For these reasons, this variant has been classified as Pathogenic.

Blueprint Genetics
Classification: Pathogenic for BRCA2-related disorders. Last evaluated: 2024-01-17. Review status: criteria provided, single submitter. Criteria: ACMG Guidelines, 2015. Collection method: clinical testing. Allele origin: germline. Affected: yes. Observed: 2 variant alleles.

Mendelics
Classification: Likely pathogenic for Breast-ovarian cancer, familial, susceptibility to, 2. Last evaluated: 2019-05-28. Review status: criteria provided, single submitter. Criteria: Mendelics Assertion Criteria 2017. Collection method: clinical testing. Allele origin: unknown.

Consortium of Investigators of Modifiers of BRCA1/2 (CIMBA), c/o University of Cambridge
Classification: Pathogenic for Breast-ovarian cancer, familial, susceptibility to, 2. Last evaluated: 2015-10-02. Review status: criteria provided, single submitter. Criteria: CIMBA Mutation Classification guidelines May 2016. Collection method: clinical testing. Allele origin: germline.

Cancer Genomics Lab, PINUM Cancer Hospital
Classification: Pathogenic for Breast-ovarian cancer, familial, susceptibility to, 2. Last evaluated: 2023-03-30. Review status: no assertion criteria provided. Collection method: clinical testing. Allele origin: germline. Affected: yes. Not counted in ClinVar's aggregate classification.

Literature cited by the submitters: PubMed 28008555 (cited by Ambry Genetics); PubMed 16199547 (cited by Labcorp Genetics (formerly Invitae), Labcorp); PubMed 20104584 (cited by Labcorp Genetics (formerly Invitae), Labcorp); PubMed 10923033 (cited by Labcorp Genetics (formerly Invitae), Labcorp); PubMed 21520333 (cited by Labcorp Genetics (formerly Invitae), Labcorp); PubMed 31214711 (cited by Labcorp Genetics (formerly Invitae), Labcorp); PubMed 31131967 (cited by Labcorp Genetics (formerly Invitae), Labcorp).